The following is an entry in ClinVar:

ClinVar aggregate classification (germline): Uncertain significance (1 of 4 stars; one submission).

Submission:

GeneDx
Classification: Uncertain significance. Last evaluated: 2022-12-15. Review status: criteria provided, single submitter. Criteria: GeneDx Variant Classification Process June 2021. Collection method: clinical testing. Allele origin: germline. Affected: yes.
Comment: Not observed at significant frequency in large population cohorts (gnomAD); In silico analysis supports that this missense variant does not alter protein structure/function; Has not been previously published as pathogenic or benign to our knowledge

NM_016333.4(SRRM2):c.7946C>T (p.Pro2649Leu)

Gene: SRRM2 (serine/arginine repetitive matrix 2; plus strand). Cytogenetic location: 16p13.3.
Variant type: single nucleotide variant.
Coding change: c.7946C>T on transcript NM_016333.4 (MANE Select); coding-DNA position 7946, C replaced by T.
Protein change: p.Pro2649Leu; replaces proline 2649 with leucine.
Molecular consequence: missense variant.
Genome position (GRCh38, 1-based): chr16:2,769,209, C>T. VCF-style: chr16-2769209-C-T. GRCh37 (hg19) VCF-style: chr16-2819210-C-T.
Other names: short protein forms P2649L.
Identifiers: ClinVar variation 2505848 (VCV002505848.1), dbSNP rs2505618803, ClinGen allele CA394430749.